The following is an entry in ClinVar:

NM_053025.4(MYLK):c.157G>A (p.Glu53Lys)

Genes: MYLK (myosin light chain kinase; minus strand), LOC126806792 (CDK7 strongly-dependent group 2 enhancer GRCh37_chr3:123511339-123512538; plus strand). Cytogenetic location: 3q21.1.
Variant type: single nucleotide variant.
Coding change: c.157G>A on transcript NM_053025.4 (MANE Select); coding-DNA position 157, G replaced by A.
Protein change: p.Glu53Lys; replaces glutamic acid 53 with lysine.
Molecular consequence: missense variant. On other transcripts: 5 prime UTR variant (1).
Genome position (GRCh38, 1-based): chr3:123,793,685, C>T on the plus strand (G>A on the coding strand, the complement: MYLK is on the minus strand). VCF-style: chr3-123793685-C-T. GRCh37 (hg19) VCF-style: chr3-123512532-C-T.
Other names: c.157G>A (NM_053025.3); c.-164G>A (NM_001321309.2); c.157G>A, p.Glu53Lys (NM_053026.4, NM_053027.4, NM_053028.4); short protein forms E53K.
Identifiers: ClinVar variation 1055242 (VCV001055242.7), dbSNP rs376586087, ClinGen allele CA067497.

ClinVar aggregate classification (germline): Uncertain significance. Review status: criteria provided, multiple submitters, no conflicts (2 of 4 stars). 3 submissions from 3 submitters: Uncertain significance (3). Last evaluated 2025-08-01.

Conditions:
Aortic aneurysm, familial thoracic 7 (AAT7). Also called: AORTIC DISSECTION, FAMILIAL, WITH OR WITHOUT AORTIC ANEURYSM. Identifiers: MedGen C3151077, MONDO:0013418, OMIM 613780.
Megacystis-microcolon-intestinal hypoperistalsis syndrome 1. Identifiers: MedGen C5542316, MONDO:0100354, OMIM 249210.

Allele frequency attached by ClinVar (database versions not stated): ExAC 0.00001; gnomAD exomes 0.00001; gnomAD 0.00002; TOPMed 0.00004; ESP Exome Variant Server 0.00008.
gnomAD v4.1: 16 of 1,614,020 alleles (0.00099%); highest among the groups gnomAD compares: Middle Eastern, 0.033%; no homozygotes.

Submissions (3):

Labcorp Genetics (formerly Invitae), Labcorp
Classification: Uncertain significance for Aortic aneurysm, familial thoracic 7. Last evaluated: 2025-08-01. Review status: criteria provided, single submitter. Criteria: Invitae Variant Classification Sherloc (09022015). Collection method: clinical testing. Allele origin: germline.
Comment: This sequence change replaces glutamic acid, which is acidic and polar, with lysine, which is basic and polar, at codon 53 of the MYLK protein (p.Glu53Lys). This variant is present in population databases (rs376586087, gnomAD 0.01%). This variant has not been reported in the literature in individuals affected with MYLK-related conditions. ClinVar contains an entry for this variant (Variation ID: 1055242). Invitae Evidence Modeling of protein sequence and biophysical properties (such as structural, functional, and spatial information, amino acid conservation, physicochemical variation, residue mobility, and thermodynamic stability) indicates that this missense variant is not expected to disrupt MYLK protein function with a negative predictive value of 95%. In summary, the available evidence is currently insufficient to determine the role of this variant in disease. Therefore, it has been classified as a Variant of Uncertain Significance.

GeneDx
Classification: Uncertain significance. Last evaluated: 2024-12-19. Review status: criteria provided, single submitter. Criteria: GeneDx Variant Classification Process June 2021. Collection method: clinical testing. Allele origin: germline. Affected: yes.
Comment: Not observed at significant frequency in large population cohorts (gnomAD); In silico analysis indicates that this missense variant does not alter protein structure/function; Has not been previously published as pathogenic or benign to our knowledge

Fulgent Genetics
Classification: Uncertain significance for Megacystis-microcolon-intestinal hypoperistalsis syndrome 1; Aortic aneurysm, familial thoracic 7. Last evaluated: 2021-08-13. Review status: criteria provided, single submitter. Criteria: ACMG Guidelines, 2015. Collection method: clinical testing. Allele origin: unknown.